The following is an entry in ClinVar:

ClinVar aggregate classification (germline): Likely benign. Review status: criteria provided, multiple submitters, no conflicts (2 of 4 stars). 3 submissions from 3 submitters: Likely benign (3). Last evaluated 2025-08-08.

Conditions:
ABCA4-related disorder. Also called: ABCA4-related condition; ABCA4-related disorders. Identifiers: MedGen CN239167.

Allele frequency attached by ClinVar (database versions not stated): gnomAD 0.00002; gnomAD exomes 0.00002; TOPMed 0.00002; ExAC 0.00004; ESP Exome Variant Server 0.00008.
gnomAD v4.1: 35 of 1,611,988 alleles (0.0022%); highest among the groups gnomAD compares: African/African-American, 0.0067%; no homozygotes.

Submissions (3):

PreventionGenetics, part of Exact Sciences
Classification: Likely benign for ABCA4-related condition. Last evaluated: 2025-08-08. Review status: criteria provided, single submitter. Criteria: ACMG Guidelines, 2015. Collection method: clinical testing. Allele origin: germline.
Comment: This variant is classified as likely benign based on ACMG/AMP sequence variant interpretation guidelines (Richards et al. 2015 PMID: 25741868, with internal and published modifications).

Labcorp Genetics (formerly Invitae), Labcorp
Classification: Likely benign. Last evaluated: 2024-01-17. Review status: criteria provided, single submitter. Criteria: Invitae Variant Classification Sherloc (09022015). Collection method: clinical testing. Allele origin: germline.

Blueprint Genetics
Classification: Likely benign. Last evaluated: 2017-07-05. Review status: criteria provided, single submitter. Criteria: ACMG Guidelines, 2015. Collection method: clinical testing. Allele origin: germline.

NM_000350.3(ABCA4):c.609C>T (p.Ile203=)

Gene: ABCA4 (ATP binding cassette subfamily A member 4; minus strand). Cytogenetic location: 1p22.1.
Variant type: single nucleotide variant.
Coding change: c.609C>T on transcript NM_000350.3 (MANE Select); coding-DNA position 609, C replaced by T.
Protein change: p.Ile203=; no amino-acid change (isoleucine 203 retained).
Molecular consequence: synonymous variant.
Genome position (GRCh38, 1-based): chr1:94,098,953, G>A on the plus strand (C>T on the coding strand, the complement: ABCA4 is on the minus strand). VCF-style: chr1-94098953-G-A. GRCh37 (hg19) VCF-style: chr1-94564509-G-A.
Other names: c.609C>T, p.Ile203= (NM_001425324.1); c.609C>T (NM_000350.2).
Identifiers: ClinVar variation 1901860 (VCV001901860.7), dbSNP rs374246529, ClinGen allele CA958786.